The following is an entry in ClinVar:

NM_152564.5(VPS13B):c.9388G>C (p.Ala3130Pro)

Gene: VPS13B (vacuolar protein sorting 13 homolog B; plus strand). Cytogenetic location: 8q22.2.
Variant type: single nucleotide variant.
Coding change: c.9388G>C on transcript NM_152564.5 (MANE Select); coding-DNA position 9388, G replaced by C.
Protein change: p.Ala3130Pro; replaces alanine 3130 with proline.
Molecular consequence: missense variant.
Genome position (GRCh38, 1-based): chr8:99,832,426, G>C. VCF-style: chr8-99832426-G-C. GRCh37 (hg19) VCF-style: chr8-100844654-G-C.
Other names: c.9463G>C, p.Ala3155Pro (NM_017890.5); c.9463G>C (NM_017890.3); short protein forms A3155P, A3130P.
Identifiers: ClinVar variation 1505702 (VCV001505702.9), dbSNP rs2130858010, ClinGen allele CA371781268.

ClinVar aggregate classification (germline): Uncertain significance. Review status: criteria provided, multiple submitters, no conflicts (2 of 4 stars). 2 submissions from 2 submitters: Uncertain significance (2). Last evaluated 2024-03-04.

Conditions:
Cohen syndrome (COH1). Also called: Cutis verticis gyrata, retinitis pigmentosa, and sensorineural deafness; PEPPER SYNDROME. Identifiers: Orphanet 193, MedGen C0265223, MONDO:0008999, OMIM 216550.
Inborn genetic diseases. Identifiers: MedGen C0950123, MeSH D030342.

Submissions (2):

Ambry Genetics
Classification: Uncertain significance for Inborn genetic diseases. Last evaluated: 2024-03-04. Review status: criteria provided, single submitter. Criteria: Ambry Variant Classification Scheme 2023. Collection method: clinical testing. Allele origin: germline.

Labcorp Genetics (formerly Invitae), Labcorp
Classification: Uncertain significance for Cohen syndrome. Last evaluated: 2022-03-19. Review status: criteria provided, single submitter. Criteria: Invitae Variant Classification Sherloc (09022015). Collection method: clinical testing. Allele origin: germline.
Comment: This variant has not been reported in the literature in individuals affected with VPS13B-related conditions. This variant is not present in population databases (gnomAD no frequency). Algorithms developed to predict the effect of missense changes on protein structure and function are either unavailable or do not agree on the potential impact of this missense change (SIFT: "Not Available"; PolyPhen-2: "Possibly Damaging"; Align-GVGD: "Not Available"). In summary, the available evidence is currently insufficient to determine the role of this variant in disease. Therefore, it has been classified as a Variant of Uncertain Significance. This sequence change replaces alanine, which is neutral and non-polar, with proline, which is neutral and non-polar, at codon 3155 of the VPS13B protein (p.Ala3155Pro).